The following is an entry in ClinVar:

NM_001032386.2(SUOX):c.733C>T (p.Leu245Phe)

Gene: SUOX (sulfite oxidase; plus strand). Cytogenetic location: 12q13.2.
Variant type: single nucleotide variant.
Coding change: c.733C>T on transcript NM_001032386.2 (MANE Select); coding-DNA position 733, C replaced by T.
Protein change: p.Leu245Phe; replaces leucine 245 with phenylalanine.
Molecular consequence: missense variant.
Genome position (GRCh38, 1-based): chr12:56,004,122, C>T. VCF-style: chr12-56004122-C-T. GRCh37 (hg19) VCF-style: chr12-56397906-C-T.
Other names: c.733C>T, p.Leu245Phe (NM_000456.3, NM_001032387.2); short protein forms L245F.
Identifiers: ClinVar variation 1372736 (VCV001372736.7), dbSNP rs1890642427, ClinGen allele CA385287153.
Genomic context (GRCh38, chr12:56,004,122, plus strand): 5'-CTGGATCCAGACACCTATCGCTTACACGTAGTAGGAGCACCTGGGGGTCAGTCACTGTCT[C>T]TTTCCCTGGATGACTTGCACAACTTTCCCAGGTACGAGATCACAGTCACTCTGCAGTGTG-3'
Protein context (NP_001027558.1, residues 235-255): VGAPGGQSLS[Leu245Phe]SLDDLHNFPR

ClinVar aggregate classification (germline): Uncertain significance (1 of 4 stars; one submission).

Conditions:
Sulfite oxidase deficiency. Also called: Isolated sulfite oxidase deficiency. Identifiers: Orphanet 833, Orphanet 99731, MedGen C0268624, MONDO:0010089, OMIM 272300, HP:0003643.

Allele frequency attached by ClinVar (database versions not stated): gnomAD exomes below 0.00001; gnomAD 0.00001.
gnomAD v4.1: 5 of 1,614,106 alleles (0.00031%); highest among the groups gnomAD compares: East Asian, 0.011%; no homozygotes.

Submission:

Labcorp Genetics (formerly Invitae), Labcorp
Classification: Uncertain significance for Sulfite oxidase deficiency. Last evaluated: 2024-02-05. Review status: criteria provided, single submitter. Criteria: Invitae Variant Classification Sherloc (09022015). Collection method: clinical testing. Allele origin: germline.
Comment: This sequence change replaces leucine, which is neutral and non-polar, with phenylalanine, which is neutral and non-polar, at codon 245 of the SUOX protein (p.Leu245Phe). This variant is not present in population databases (gnomAD no frequency). This variant has not been reported in the literature in individuals affected with SUOX-related conditions. ClinVar contains an entry for this variant (Variation ID: 1372736). Advanced modeling of protein sequence and biophysical properties (such as structural, functional, and spatial information, amino acid conservation, physicochemical variation, residue mobility, and thermodynamic stability) performed at Invitae indicates that this missense variant is not expected to disrupt SUOX protein function with a negative predictive value of 80%. In summary, the available evidence is currently insufficient to determine the role of this variant in disease. Therefore, it has been classified as a Variant of Uncertain Significance.